The following is an entry in ClinVar:

ClinVar aggregate classification (germline): Conflicting classifications of pathogenicity. Review status: criteria provided, conflicting classifications (1 of 4 stars). 4 submissions from 4 submitters: Uncertain significance (1); Likely benign (3). Last evaluated 2022-01-02.

Conditions:
Hereditary cancer-predisposing syndrome. Also called: Tumor predisposition; Hereditary neoplastic syndrome; Neoplastic Syndromes, Hereditary; Hereditary Cancer Syndrome. Identifiers: Orphanet 140162, MedGen C0027672, MeSH D009386, MONDO:0015356.

Allele frequency attached by ClinVar (database versions not stated): gnomAD exomes below 0.00001.
gnomAD v4.1: 1 of 1,614,186 alleles (0.000062%); highest among the groups gnomAD compares: Non-Finnish European, 0.000085%; no homozygotes.

Submissions (4):

Sema4
Classification: Uncertain significance for Hereditary cancer-predisposing syndrome. Last evaluated: 2022-01-02. Review status: criteria provided, single submitter. Criteria: Sema4 Curation Guidelines. Collection method: curation. Allele origin: germline.
Comment: To the best of our knowledge, the BRCA2 c.8559A>G (p.K2853=) variant has not been reported in individuals with BRCA2-related disease. This variant was observed in 1/113562 chromosomes in the European (non-Finnish) subpopulation, according to the Genome Aggregation Database (PMID: 32461654). This variant has been reported in ClinVar (Variation ID: 379616). In silico tools suggest that the variant may create or strengthen a cryptic splice site, though these predictions have not been confirmed by functional studies. The evidence is insufficient to meet ACMG/AMP criteria for classifying the variant as benign or pathogenic. Thus, the clinical significance of this variant is currently uncertain.

Color Diagnostics, LLC DBA Color Health
Classification: Likely benign for Hereditary cancer-predisposing syndrome. Last evaluated: 2020-11-06. Review status: criteria provided, single submitter. Criteria: ACMG Guidelines, 2015. Collection method: clinical testing. Allele origin: germline.

Ambry Genetics
Classification: Likely benign for Hereditary cancer-predisposing syndrome. Last evaluated: 2020-09-14. Review status: criteria provided, single submitter. Criteria: Ambry Variant Classification Scheme 2023. Collection method: clinical testing. Allele origin: germline.

GeneDx
Classification: Likely benign. Last evaluated: 2015-04-24. Review status: criteria provided, single submitter. Criteria: GeneDx Variant Classification (06012015). Collection method: clinical testing. Allele origin: germline. Affected: yes.
Comment: This variant is considered likely benign or benign based on one or more of the following criteria: it is a conservative change, it occurs at a poorly conserved position in the protein, it is predicted to be benign by multiple in silico algorithms, and/or has population frequency not consistent with disease.

NM_000059.4(BRCA2):c.8559A>G (p.Lys2853=)

Gene: BRCA2 (BRCA2 DNA repair associated; plus strand). Cytogenetic location: 13q13.1.
Variant type: single nucleotide variant.
Coding change: c.8559A>G on transcript NM_000059.4 (MANE Select); coding-DNA position 8559, A replaced by G.
Protein change: p.Lys2853=; no amino-acid change (lysine 2853 retained).
Molecular consequence: synonymous variant.
Genome position (GRCh38, 1-based): chr13:32,371,027, A>G. VCF-style: chr13-32371027-A-G. GRCh37 (hg19) VCF-style: chr13-32945164-A-G.
Identifiers: ClinVar variation 379616 (VCV000379616.6), dbSNP rs1057520669, ClinGen allele CA16607496.